The following is an entry in ClinVar:

ClinVar aggregate classification (germline): Uncertain significance (1 of 4 stars; one submission).

Conditions:
Neurodevelopmental disorder with or without variable brain abnormalities; NEDBA. Also called: NEURODEVELOPMENTAL DISORDER WITH OR WITHOUT VARIABLE BRAIN ABNORMALITIES. Identifiers: MedGen C5193102, MONDO:0032755, OMIM 618443.

Submission:

3billion
Classification: Uncertain significance for Neurodevelopmental disorder with or without variable brain abnormalities; NEDBA. Last evaluated: 2025-11-11. Review status: criteria provided, single submitter. Criteria: ACMG Guidelines, 2015. Collection method: clinical testing. Allele origin: germline. Affected: yes.
Comment: The variant is not observed in the gnomAD v4.1.0 dataset. Predicted Consequence/Location: Missense variant In silico tool predictions suggest damaging effect of the variant on gene or gene product [REVEL: 0.61 (>=0.6, sensitivity 0.68 and specificity 0.92); 3Cnet: 0.86 (> 0.75, sensitivity 0.96 and precision 0.92)]. Therefore, this variant is classified as VUS according to the recommendation of ACMG/AMP guideline.

NM_001318852.2(MAPK8IP3):c.190G>A (p.Glu64Lys)

Gene: MAPK8IP3 (mitogen-activated protein kinase 8 interacting protein 3; plus strand). Cytogenetic location: 16p13.3.
Variant type: single nucleotide variant.
Coding change: c.190G>A on transcript NM_001318852.2 (MANE Select); coding-DNA position 190, G replaced by A.
Protein change: p.Glu64Lys; replaces glutamic acid 64 with lysine.
Molecular consequence: missense variant.
Genome position (GRCh38, 1-based): chr16:1,706,529, G>A. VCF-style: chr16-1706529-G-A. GRCh37 (hg19) VCF-style: chr16-1756530-G-A.
Other names: c.190G>A, p.Glu64Lys (NM_001040439.2, NM_015133.5); short protein forms E64K.
Identifiers: ClinVar variation 4855600 (VCV004855600.1).
Genomic context (GRCh38, chr16:1,706,529, plus strand): 5'-ATCCACTGCTACGACGAGGAGGTGGTCAAGGAGCTCATGCCGCTGGTGGTGAACGTGCTG[G>A]AGAACCTAGACTCGGTGCTCAGCGAGAACCAGGAGCACGAGGTGGAGCTGGAGCTGCTGC-3'
Protein context (NP_001305781.1, residues 54-74): ELMPLVVNVL[Glu64Lys]NLDSVLSENQ